The following is an entry in ClinVar:

ClinVar aggregate classification (germline): Uncertain significance (1 of 4 stars; one submission).

gnomAD v4.1: 1 of 1,594,406 alleles (0.000063%); highest among the groups gnomAD compares: Non-Finnish European, 0.000085%; no homozygotes.

Submission:

GeneDx
Classification: Uncertain significance. Last evaluated: 2023-07-27. Review status: criteria provided, single submitter. Criteria: GeneDx Variant Classification Process June 2021. Collection method: clinical testing. Allele origin: germline. Affected: yes.
Comment: Not observed at significant frequency in large population cohorts (gnomAD); In silico analysis supports that this variant does not alter splicing; Has not been previously published as pathogenic or benign to our knowledge

NM_024757.5(EHMT1):c.73C>T (p.Leu25=)

Gene: EHMT1 (euchromatic histone lysine methyltransferase 1; plus strand). Cytogenetic location: 9q34.3.
Variant type: single nucleotide variant.
Coding change: c.73C>T on transcript NM_024757.5 (MANE Select); coding-DNA position 73, C replaced by T.
Protein change: p.Leu25=; no amino-acid change (leucine 25 retained).
Molecular consequence: synonymous variant. On other transcripts: intron variant (2).
Genome position (GRCh38, 1-based): chr9:137,711,018, C>T. VCF-style: chr9-137711018-C-T. GRCh37 (hg19) VCF-style: chr9-140605470-C-T.
Other names: c.73C>T, p.Leu25= (NM_001145527.2, NM_001354263.2, NM_001354611.2); c.-8-5608C>T (NM_001354259.2, NM_001354612.2).
Identifiers: ClinVar variation 3361540 (VCV003361540.1).